The following is an entry in ClinVar:

NM_024652.6(LRRK1):c.4915-3C>T

Genes: LRRK1 (leucine rich repeat kinase 1; plus strand), LRRK1-AS1 (LRRK1 antisense RNA 1; minus strand). Cytogenetic location: 15q26.3.
Variant type: single nucleotide variant.
Coding change: c.4915-3C>T on transcript NM_024652.6 (MANE Select); 3 bases into the intron before coding-DNA position 4915, C replaced by T.
Molecular consequence: intron variant.
Genome position (GRCh38, 1-based): chr15:101,065,349, C>T. VCF-style: chr15-101065349-C-T. GRCh37 (hg19) VCF-style: chr15-101605554-C-T.
Identifiers: ClinVar variation 1425079 (VCV001425079.1), dbSNP rs538241530, ClinGen allele CA7762022.

ClinVar aggregate classification (germline): Uncertain significance (1 of 4 stars; one submission).

Allele frequency attached by ClinVar (database versions not stated): gnomAD exomes 0.00001 and 0.00002; ExAC 0.00003; TOPMed 0.00005; gnomAD 0.00007 and 0.00009; 1000 Genomes Project 0.00020; 1000 Genomes Project 30x 0.00031.

Submission:

Labcorp Genetics (formerly Invitae), Labcorp
Classification: Uncertain significance. Last evaluated: 2021-05-18. Review status: criteria provided, single submitter. Criteria: Invitae Variant Classification Sherloc (09022015). Collection method: clinical testing. Allele origin: germline.
Comment: This sequence change falls in intron 31 of the LRRK1 gene. It does not directly change the encoded amino acid sequence of the LRRK1 protein. It affects a nucleotide within the consensus splice site of the intron. This variant is present in population databases (rs538241530, ExAC 0.04%). This variant has not been reported in the literature in individuals with LRRK1-related conditions. Nucleotide substitutions within the consensus splice site are a relatively common cause of aberrant splicing (PMID: 17576681, 9536098). Algorithms developed to predict the effect of sequence changes on RNA splicing suggest that this variant is not likely to affect RNA splicing, but this prediction has not been confirmed by published transcriptional studies. In summary, the available evidence is currently insufficient to determine the role of this variant in disease. Therefore, it has been classified as a Variant of Uncertain Significance.

Literature cited by the submitters: PubMed 17576681; PubMed 9536098.